The following is an entry in ClinVar:

ClinVar aggregate classification (germline): Conflicting classifications of pathogenicity. Review status: criteria provided, conflicting classifications (1 of 4 stars). 4 submissions from 4 submitters: Uncertain significance (1); Benign (1); Likely benign (2). Last evaluated 2026-01-26.

Conditions:
Progressive microcephaly-seizures-cortical blindness-developmental delay syndrome. Also called: Seizures, cortical blindness, and microcephaly syndrome. Identifiers: Orphanet 477814, MedGen C5567650, MONDO:0014714, OMIM 616632.
Autosomal dominant nonsyndromic hearing loss 1. Also called: KONIGSMARK SYNDROME; DEAFNESS, AUTOSOMAL DOMINANT 1, WITH OR WITHOUT THROMBOCYTOPENIA. Identifiers: Orphanet 90635, MedGen C1852282, MONDO:0007424, OMIM 124900.

Allele frequency attached by ClinVar (database versions not stated): gnomAD 0.00009 and 0.00014; gnomAD exomes 0.00010 and 0.00023; ExAC 0.00019; TOPMed 0.00019; 1000 Genomes Project 0.00080; 1000 Genomes Project 30x 0.00109.
gnomAD v4.1: 153 of 1,540,062 alleles (0.0099%); highest among the groups gnomAD compares: East Asian, 0.36%; no homozygotes.

Submissions (4):

Labcorp Genetics (formerly Invitae), Labcorp
Classification: Benign for Progressive microcephaly-seizures-cortical blindness-developmental delay syndrome; Autosomal dominant nonsyndromic hearing loss 1. Last evaluated: 2026-01-26. Review status: criteria provided, single submitter. Criteria: Invitae Variant Classification Sherloc (09022015). Collection method: clinical testing. Allele origin: germline.

CeGaT Center for Human Genetics Tuebingen
Classification: Uncertain significance. Last evaluated: 2025-12-01. Review status: criteria provided, single submitter. Criteria: CeGaT Center For Human Genetics Tuebingen Variant Classification Criteria Version 2. Collection method: clinical testing. Allele origin: germline. Affected: yes. Observed: 1 variant allele.
Comment: DIAPH1: PM2, BP4

Blueprint Genetics
Classification: Likely benign. Last evaluated: 2024-02-28. Review status: criteria provided, single submitter. Criteria: ACMG Guidelines, 2015. Collection method: clinical testing. Allele origin: germline.

GeneDx
Classification: Likely benign. Last evaluated: 2018-11-01. Review status: criteria provided, single submitter. Criteria: GeneDx Variant Classification Process June 2021. Collection method: clinical testing. Allele origin: germline. Affected: yes.

NM_005219.5(DIAPH1):c.117+8T>A

Gene: DIAPH1 (diaphanous related formin 1; minus strand). Cytogenetic location: 5q31.3.
Variant type: single nucleotide variant.
Coding change: c.117+8T>A on transcript NM_005219.5 (MANE Select); 8 bases into the intron after coding-DNA position 117, T replaced by A.
Molecular consequence: intron variant.
Genome position (GRCh38, 1-based): chr5:141,618,790, A>T on the plus strand (T>A on the coding strand, the complement: DIAPH1 is on the minus strand). VCF-style: chr5-141618790-A-T. GRCh37 (hg19) VCF-style: chr5-140998357-A-T.
Other names: c.117+8T>A (NM_001079812.3, NM_001314007.2).
Identifiers: ClinVar variation 1194572 (VCV001194572.16), dbSNP rs548327056, ClinGen allele CA3479704.